The following is an entry in ClinVar:

NM_002460.4(IRF4):c.309G>T (p.Lys103Asn)

Gene: IRF4 (interferon regulatory factor 4; plus strand). Cytogenetic location: 6p25.3.
Variant type: single nucleotide variant.
Coding change: c.309G>T on transcript NM_002460.4 (MANE Select); coding-DNA position 309, G replaced by T.
Protein change: p.Lys103Asn; replaces lysine 103 with asparagine.
Molecular consequence: missense variant. On other transcripts: non-coding transcript variant (1).
Genome position (GRCh38, 1-based): chr6:394,913, G>T. VCF-style: chr6-394913-G-T. GRCh37 (hg19) VCF-style: chr6-394913-G-T.
Other names: c.309G>T, p.Lys103Asn (NM_001195286.2); c.309G>T (NM_002460.3); short protein forms K103N.
Identifiers: ClinVar variation 2129846 (VCV002129846.5), dbSNP rs1761213519, ClinGen allele CA362546932.

ClinVar aggregate classification (germline): Uncertain significance. Review status: criteria provided, multiple submitters, no conflicts (2 of 4 stars). 2 submissions from 2 submitters: Uncertain significance (2). Last evaluated 2025-08-08.

Submissions (2):

GeneDx
Classification: Uncertain significance. Last evaluated: 2025-08-08. Review status: criteria provided, single submitter. Criteria: GeneDx Variant Classification Process June 2021. Collection method: clinical testing. Allele origin: germline. Affected: yes.
Comment: Not observed at significant frequency in large population cohorts (gnomAD); In silico analysis supports that this missense variant has a deleterious effect on protein structure/function; Has not been previously published as pathogenic or benign to our knowledge

Labcorp Genetics (formerly Invitae), Labcorp
Classification: Uncertain significance. Last evaluated: 2022-04-23. Review status: criteria provided, single submitter. Criteria: Invitae Variant Classification Sherloc (09022015). Collection method: clinical testing. Allele origin: germline.
Comment: In summary, the available evidence is currently insufficient to determine the role of this variant in disease. Therefore, it has been classified as a Variant of Uncertain Significance. This sequence change replaces lysine, which is basic and polar, with asparagine, which is neutral and polar, at codon 103 of the IRF4 protein (p.Lys103Asn). This variant is not present in population databases (gnomAD no frequency). This variant has not been reported in the literature in individuals affected with IRF4-related conditions. Algorithms developed to predict the effect of missense changes on protein structure and function are either unavailable or do not agree on the potential impact of this missense change (SIFT: "Deleterious"; PolyPhen-2: "Probably Damaging"; Align-GVGD: "Class C0").